The following is an entry in ClinVar:

ClinVar aggregate classification (germline): Uncertain significance. Review status: criteria provided, multiple submitters, no conflicts (2 of 4 stars). 2 submissions from 2 submitters: Uncertain significance (2). Last evaluated 2024-03-06.

Conditions:
Bone mineral density quantitative trait locus 1 (BMND1). Identifiers: MedGen C1866079, OMIM 601884.
Worth disease. Also called: ENDOSTEAL HYPEROSTOSIS, AUTOSOMAL DOMINANT; OSTEOSCLEROSIS, AUTOSOMAL DOMINANT; Autosomal dominant osteosclerosis, Worth type. Identifiers: Orphanet 2790, MedGen C0432273, MONDO:0007764, OMIM 144750.
Polycystic liver disease 4 with or without kidney cysts. Identifiers: MedGen C4693479, MONDO:0044327, OMIM 617875.
Exudative vitreoretinopathy 4 (EVR4). Identifiers: Orphanet 891, MedGen C1866176, MONDO:0011151, OMIM 601813.
Autosomal dominant osteopetrosis 1 (OPTA1). Also called: OSTEOPETROSIS, AUTOSOMAL DOMINANT, TYPE I. Identifiers: Orphanet 2783, MedGen C1843330, MONDO:0011877, OMIM 607634.
Osteoporosis with pseudoglioma (OPPG). Also called: osteoporosis-pseudoglioma syndrome. Identifiers: Orphanet 2788, MedGen C0432252, MONDO:0009820, OMIM 259770.

Allele frequency attached by ClinVar (database versions not stated): gnomAD 0.00001.
gnomAD v4.1: 7 of 1,614,072 alleles (0.00043%); highest among the groups gnomAD compares: Non-Finnish European, 0.00059%; no homozygotes.

Submissions (2):

Fulgent Genetics
Classification: Uncertain significance for Worth disease; Osteoporosis with pseudoglioma; Exudative vitreoretinopathy 4; Bone mineral density quantitative trait locus 1; Autosomal dominant osteopetrosis 1; Polycystic liver disease 4 with or without kidney cysts. Last evaluated: 2024-03-06. Review status: criteria provided, single submitter. Criteria: ACMG Guidelines, 2015. Collection method: clinical testing. Allele origin: germline.

CeGaT Center for Human Genetics Tuebingen
Classification: Uncertain significance. Last evaluated: 2023-03-01. Review status: criteria provided, single submitter. Criteria: CeGaT Center For Human Genetics Tuebingen Variant Classification Criteria Version 2. Collection method: clinical testing. Allele origin: germline. Affected: yes. Observed: 1 variant allele.
Comment: LRP5: PM2:Supporting

NM_002335.4(LRP5):c.1532A>C (p.Asp511Ala)

Gene: LRP5 (LDL receptor related protein 5; plus strand). Cytogenetic location: 11q13.2.
Variant type: single nucleotide variant.
Coding change: c.1532A>C on transcript NM_002335.4 (MANE Select); coding-DNA position 1532, A replaced by C.
Protein change: p.Asp511Ala; replaces aspartic acid 511 with alanine.
Molecular consequence: missense variant. On other transcripts: intron variant (1).
Genome position (GRCh38, 1-based): chr11:68,390,000, A>C. VCF-style: chr11-68390000-A-C. GRCh37 (hg19) VCF-style: chr11-68157468-A-C.
Other names: c.-354+3288A>C (NM_001291902.2); short protein forms D511A.
Identifiers: ClinVar variation 2642041 (VCV002642041.25), dbSNP rs1245625202, ClinGen allele CA381613204.